The following is an entry in ClinVar:

ClinVar aggregate classification (germline): Uncertain significance. Review status: criteria provided, multiple submitters, no conflicts (2 of 4 stars). 3 submissions from 3 submitters: Uncertain significance (3). Last evaluated 2026-04-11.

Conditions:
Cardiovascular phenotype. Identifiers: MedGen CN230736.
Dilated cardiomyopathy 1W (CMD1W). Identifiers: Orphanet 154, MedGen C1969639, MONDO:0012667, OMIM 611407.

Allele frequency attached by ClinVar (database versions not stated): gnomAD exomes below 0.00001 and 0.00002; TOPMed 0.00005; ESP Exome Variant Server 0.00008; 1000 Genomes Project 0.00020; ExAC 0.00002; gnomAD 0.00004; 1000 Genomes Project 30x 0.00031.
gnomAD v4.1: 11 of 1,614,122 alleles (0.00068%); highest among the groups gnomAD compares: African/African-American, 0.015%; no homozygotes.

Submissions (3):

Ambry Genetics
Classification: Uncertain significance for Cardiovascular phenotype. Last evaluated: 2026-04-11. Review status: criteria provided, single submitter. Criteria: Ambry Variant Classification Scheme 2023. Collection method: clinical testing. Allele origin: germline.

Labcorp Genetics (formerly Invitae), Labcorp
Classification: Uncertain significance for Dilated cardiomyopathy 1W. Last evaluated: 2025-10-25. Review status: criteria provided, single submitter. Criteria: Invitae Variant Classification Sherloc (09022015). Collection method: clinical testing. Allele origin: germline.
Comment: This sequence change replaces threonine, which is neutral and polar, with serine, which is neutral and polar, at codon 263 of the VCL protein (p.Thr263Ser). This variant is present in population databases (rs150443513, gnomAD 0.02%). This variant has not been reported in the literature in individuals affected with VCL-related conditions. ClinVar contains an entry for this variant (Variation ID: 937677). An algorithm developed to predict the effect of missense changes on protein structure and function (PolyPhen-2) suggests that this variant is likely to be disruptive. In summary, the available evidence is currently insufficient to determine the role of this variant in disease. Therefore, it has been classified as a Variant of Uncertain Significance.

GeneDx
Classification: Uncertain significance. Last evaluated: 2024-03-12. Review status: criteria provided, single submitter. Criteria: GeneDx Variant Classification Process June 2021. Collection method: clinical testing. Allele origin: germline. Affected: yes.
Comment: Has not been previously published as pathogenic or benign to our knowledge; Not observed at significant frequency in large population cohorts (gnomAD); In silico analyses support that this missense variant does not alter protein structure/function, but may impact gene splicing. In the absence of RNA/functional studies, the actual effect of this sequence change is unknown.

NM_014000.3(VCL):c.788C>G (p.Thr263Ser)

Gene: VCL (vinculin; plus strand). Cytogenetic location: 10q22.2.
Variant type: single nucleotide variant.
Coding change: c.788C>G on transcript NM_014000.3 (MANE Select); coding-DNA position 788, C replaced by G.
Protein change: p.Thr263Ser; replaces threonine 263 with serine.
Molecular consequence: missense variant.
Genome position (GRCh38, 1-based): chr10:74,082,458, C>G. VCF-style: chr10-74082458-C-G. GRCh37 (hg19) VCF-style: chr10-75842216-C-G.
Other names: c.788C>G, p.Thr263Ser (NM_003373.4); short protein forms T263S.
Identifiers: ClinVar variation 937677 (VCV000937677.14), dbSNP rs150443513, ClinGen allele CA5562862.
Genomic context (GRCh38, chr10:74,082,458, plus strand): 5'-TATCATGGTATCTCAACTTTTGCAAAGAAAATAATGGTGGGATTTCTTCCCAAAAGGACA[C>G]TGAAGCCATGAAGAGAGCATTGGCCTCCATAGACTCCAAACTGAACCAGGCCAAAGGTTG-3'
Protein context (NP_054706.1, residues 253-273): WDEDAWASKD[Thr263Ser]EAMKRALASI